The following is an entry in ClinVar:

ClinVar aggregate classification (germline): Likely benign (0 of 4 stars; one submission).

Conditions:
MEGF8-related disorder. Also called: MEGF8-related condition.

Allele frequency attached by ClinVar (database versions not stated): TOPMed 0.00002; gnomAD 0.00003.
gnomAD v4.1: 41 of 1,576,018 alleles (0.0026%); highest among the groups gnomAD compares: African/African-American, 0.0041%; no homozygotes.

Submission:

PreventionGenetics, part of Exact Sciences
Classification: Likely benign for MEGF8-related condition. Last evaluated: 2020-02-14. Review status: no assertion criteria provided. Collection method: clinical testing. Allele origin: germline.
Comment: This variant is classified as likely benign based on ACMG/AMP sequence variant interpretation guidelines (Richards et al. 2015 PMID: 25741868, with internal and published modifications).

NM_001271938.2(MEGF8):c.3094C>T (p.Leu1032=)

Gene: MEGF8 (multiple EGF like domains 8; plus strand). Cytogenetic location: 19q13.2.
Variant type: single nucleotide variant.
Coding change: c.3094C>T on transcript NM_001271938.2 (MANE Select); coding-DNA position 3094, C replaced by T.
Protein change: p.Leu1032=; no amino-acid change (leucine 1032 retained).
Molecular consequence: synonymous variant.
Genome position (GRCh38, 1-based): chr19:42,351,754, C>T. VCF-style: chr19-42351754-C-T. GRCh37 (hg19) VCF-style: chr19-42855906-C-T.
Other names: c.2893C>T, p.Leu965= (NM_001410.3).
Identifiers: ClinVar variation 3051330 (VCV003051330.2), dbSNP rs753410940, ClinGen allele CA308635804.